The following is an entry in ClinVar:

ClinVar aggregate classification (germline): Uncertain significance (1 of 4 stars; one submission).

Conditions:
Inborn genetic diseases. Identifiers: MedGen C0950123, MeSH D030342.

Submission:

Ambry Genetics
Classification: Uncertain significance for Inborn genetic diseases. Last evaluated: 2021-12-11. Review status: criteria provided, single submitter. Criteria: Ambry Variant Classification Scheme 2023. Collection method: clinical testing. Allele origin: germline.
Comment: The p.S132T variant (also known as c.394T>A), located in coding exon 2 of the ACD gene, results from a T to A substitution at nucleotide position 394. The serine at codon 132 is replaced by threonine, an amino acid with similar properties. This amino acid position is conserved. In addition, this alteration is predicted to be tolerated by in silico analysis. Since supporting evidence is limited at this time, the clinical significance of this alteration remains unclear.

NM_001082486.2(ACD):c.136T>A (p.Ser46Thr)

Gene: ACD (ACD shelterin complex subunit and telomerase recruitment factor; minus strand). Cytogenetic location: 16q22.1.
Variant type: single nucleotide variant.
Coding change: c.136T>A on transcript NM_001082486.2 (MANE Select); coding-DNA position 136, T replaced by A.
Protein change: p.Ser46Thr; replaces serine 46 with threonine.
Molecular consequence: missense variant.
Genome position (GRCh38, 1-based): chr16:67,660,009, A>T on the plus strand (T>A on the coding strand, the complement: ACD is on the minus strand). VCF-style: chr16-67660009-A-T. GRCh37 (hg19) VCF-style: chr16-67693912-A-T.
Other names: c.136T>A, p.Ser46Thr (NM_001410884.1); c.127T>A, p.Ser43Thr (NM_022914.3); short protein forms S43T, S46T.
Identifiers: ClinVar variation 1736431 (VCV001736431.2), dbSNP rs2543610573, ClinGen allele CA396356923.